The following is an entry in ClinVar:

NM_001365999.1(SZT2):c.1867G>A (p.Asp623Asn)

Gene: SZT2 (SZT2 subunit of KICSTOR complex; plus strand). Cytogenetic location: 1p34.2.
Variant type: single nucleotide variant.
Coding change: c.1867G>A on transcript NM_001365999.1 (MANE Select); coding-DNA position 1867, G replaced by A.
Protein change: p.Asp623Asn; replaces aspartic acid 623 with asparagine.
Molecular consequence: missense variant.
Genome position (GRCh38, 1-based): chr1:43,422,577, G>A. VCF-style: chr1-43422577-G-A. GRCh37 (hg19) VCF-style: chr1-43888248-G-A.
Other names: c.1867G>A, p.Asp623Asn (NM_015284.4); short protein forms D623N.
Identifiers: ClinVar variation 1714844 (VCV001714844.5), dbSNP rs2153932520, ClinGen allele CA340010230.
Genomic context (GRCh38, chr1:43,422,577, plus strand): 5'-GGGCGCTACAGCACTATCCAGTGCAGGATCTCCCACTCCTCCCTGACCTCTCTGCTGCGG[G>A]ACTGGAGCAGCTTCGTACTAGTCGAGGGCTATTCTTATGTTAAGCTGCTCTCCAGGTGGG-3'
Protein context (NP_001352928.1, residues 613-633): SHSSLTSLLR[Asp623Asn]WSSFVLVEGY

ClinVar aggregate classification (germline): Uncertain significance (1 of 4 stars; one submission).

Allele frequency attached by ClinVar (database versions not stated): gnomAD 0.00001.
gnomAD v4.1: 2 of 1,598,080 alleles (0.00013%); highest among the groups gnomAD compares: South Asian, 0.0022%; 1 homozygote.

Submission:

Labcorp Genetics (formerly Invitae), Labcorp
Classification: Uncertain significance. Last evaluated: 2024-05-15. Review status: criteria provided, single submitter. Criteria: Invitae Variant Classification Sherloc (09022015). Collection method: clinical testing. Allele origin: germline.
Comment: This sequence change replaces aspartic acid, which is acidic and polar, with asparagine, which is neutral and polar, at codon 623 of the SZT2 protein (p.Asp623Asn). This variant is not present in population databases (gnomAD no frequency). This variant has not been reported in the literature in individuals affected with SZT2-related conditions. ClinVar contains an entry for this variant (Variation ID: 1714844). Advanced modeling of protein sequence and biophysical properties (such as structural, functional, and spatial information, amino acid conservation, physicochemical variation, residue mobility, and thermodynamic stability) has been performed at Invitae for this missense variant, however the output from this modeling did not meet the statistical confidence thresholds required to predict the impact of this variant on SZT2 protein function. In summary, the available evidence is currently insufficient to determine the role of this variant in disease. Therefore, it has been classified as a Variant of Uncertain Significance.